The following is an entry in ClinVar:

ClinVar aggregate classification (germline): Benign/Likely benign. Review status: criteria provided, multiple submitters, no conflicts (2 of 4 stars). 7 submissions from 7 submitters: Benign (1); Likely benign (4). 2 of the submissions do not count toward it. Last evaluated 2026-01-14.

Conditions:
FANCA-related disorder. Also called: FANCA-related condition.
Ovarian cancer. Also called: OVARIAN CANCER, SOMATIC. Identifiers: Orphanet 213500, MedGen C1140680, MONDO:0008170, OMIM 167000.
Fanconi anemia (FA). Also called: Fanconi's anemia. Identifiers: Orphanet 84, MedGen C0015625, MeSH D005199, MONDO:0019391.
Fanconi anemia complementation group A (FANCA). Also called: Fanconi anemia, group A; FANCA-Related Fanconi Anemia. Identifiers: Orphanet 84, MedGen C3469521, MONDO:0009215, OMIM 227650.

Allele frequency attached by ClinVar (database versions not stated): gnomAD 0.00006 and 0.00013; gnomAD exomes 0.00006 and 0.00012; TOPMed 0.00006; ESP Exome Variant Server 0.00008; ExAC 0.00013.
gnomAD v4.1: 118 of 1,614,036 alleles (0.0073%); highest among the groups gnomAD compares: East Asian, 0.11%; no homozygotes.

Submissions (7):

Labcorp Genetics (formerly Invitae), Labcorp
Classification: Likely benign for Fanconi anemia. Last evaluated: 2026-01-14. Review status: criteria provided, single submitter. Criteria: Invitae Variant Classification Sherloc (09022015). Collection method: clinical testing. Allele origin: germline.

Blueprint Genetics
Classification: Likely benign. Last evaluated: 2024-08-11. Review status: criteria provided, single submitter. Criteria: ACMG Guidelines, 2015. Collection method: clinical testing. Allele origin: germline.

Quest Diagnostics Nichols Institute San Juan Capistrano
Classification: Likely benign. Last evaluated: 2023-07-19. Review status: criteria provided, single submitter. Criteria: Quest Diagnostics criteria. Collection method: clinical testing. Allele origin: unknown.

KCCC/NGS Laboratory, Kuwait Cancer Control Center
Classification: Likely benign for Fanconi anemia complementation group A. Last evaluated: 2023-07-07. Review status: criteria provided, single submitter. Criteria: ACMG Guidelines, 2015. Collection method: clinical testing. Allele origin: germline. Affected: yes.

Laboratory of Molecular Epidemiology of Birth Defects, West China Second University Hospital, Sichuan University
Classification: Benign for Ovarian cancer. Last evaluated: 2022-01-01. Review status: criteria provided, single submitter. Criteria: ACMG Guidelines, 2015. Collection method: clinical testing. Allele origin: germline. Affected: yes.

PreventionGenetics, part of Exact Sciences
Classification: Likely benign for FANCA-related condition. Last evaluated: 2024-08-01. Review status: no assertion criteria provided. Collection method: clinical testing. Allele origin: germline. Not counted in ClinVar's aggregate classification.
Comment: This variant is classified as likely benign based on ACMG/AMP sequence variant interpretation guidelines (Richards et al. 2015 PMID: 25741868, with internal and published modifications).

Leiden Open Variation Database
Classification: Likely pathogenic for Fanconi anemia complementation group A. Last evaluated: 2020-02-28. Review status: no assertion criteria provided. Collection method: curation. Allele origin: germline. Affected: yes. Not counted in ClinVar's aggregate classification.
Comment: Curator: Arleen D. Auerbach. Submitter to LOVD: Myungshin Kim.

Literature cited by the submitters: PubMed 34754157 (cited by Quest Diagnostics Nichols Institute San Juan Capistrano); PubMed 22950077 (cited by Quest Diagnostics Nichols Institute San Juan Capistrano).

NM_000135.4(FANCA):c.3031C>T (p.Arg1011Cys)

Gene: FANCA (FA complementation group A; minus strand). Cytogenetic location: 16q24.3.
Variant type: single nucleotide variant.
Coding change: c.3031C>T on transcript NM_000135.4 (MANE Select); coding-DNA position 3031, C replaced by T.
Protein change: p.Arg1011Cys; replaces arginine 1011 with cysteine.
Molecular consequence: missense variant.
Genome position (GRCh38, 1-based): chr16:89,752,173, G>A on the plus strand (C>T on the coding strand, the complement: FANCA is on the minus strand). VCF-style: chr16-89752173-G-A. GRCh37 (hg19) VCF-style: chr16-89818581-G-A.
Other names: c.3031C>T, p.Arg1011Cys (NM_001286167.3); c.3031C>T (NM_000135.3, LRG_495t1); short protein forms R1011C.
Identifiers: ClinVar variation 414834 (VCV000414834.19), dbSNP rs142377616, ClinGen allele CA8251374.